The following is an entry in ClinVar:

NM_002439.5(MSH3):c.997C>T (p.Leu333Phe)

Genes: MSH3 (mutS homolog 3; plus strand), LOC126807437 (MED14-independent group 3 enhancer GRCh37_chr5:79968379-79969578; plus strand). Cytogenetic location: 5q14.1.
Variant type: single nucleotide variant.
Coding change: c.997C>T on transcript NM_002439.5 (MANE Select); coding-DNA position 997, C replaced by T.
Protein change: p.Leu333Phe; replaces leucine 333 with phenylalanine.
Molecular consequence: missense variant.
Genome position (GRCh38, 1-based): chr5:80,672,828, C>T. VCF-style: chr5-80672828-C-T. GRCh37 (hg19) VCF-style: chr5-79968647-C-T.
Other names: short protein forms L333F.
Identifiers: ClinVar variation 1036718 (VCV001036718.12), dbSNP rs764577777, ClinGen allele CA3327762.

ClinVar aggregate classification (germline): Uncertain significance. Review status: criteria provided, multiple submitters, no conflicts (2 of 4 stars). 2 submissions from 2 submitters: Uncertain significance (2). Last evaluated 2025-01-13.

Conditions:
Hereditary cancer-predisposing syndrome. Also called: Neoplastic Syndromes, Hereditary; Hereditary Cancer Syndrome; Tumor predisposition; Hereditary neoplastic syndrome. Identifiers: Orphanet 140162, MedGen C0027672, MeSH D009386, MONDO:0015356.

Allele frequency attached by ClinVar (database versions not stated): gnomAD exomes 0.00001; ExAC 0.00002.
gnomAD v4.1: 3 of 1,613,630 alleles (0.00019%); highest among the groups gnomAD compares: Non-Finnish European, 0.00025%; no homozygotes.

Submissions (2):

Labcorp Genetics (formerly Invitae), Labcorp
Classification: Uncertain significance. Last evaluated: 2025-01-13. Review status: criteria provided, single submitter. Criteria: Invitae Variant Classification Sherloc (09022015). Collection method: clinical testing. Allele origin: germline.
Comment: This sequence change replaces leucine, which is neutral and non-polar, with phenylalanine, which is neutral and non-polar, at codon 333 of the MSH3 protein (p.Leu333Phe). This variant is present in population databases (rs764577777, gnomAD 0.003%). This variant has not been reported in the literature in individuals affected with MSH3-related conditions. ClinVar contains an entry for this variant (Variation ID: 1036718). An algorithm developed to predict the effect of missense changes on protein structure and function (PolyPhen-2) suggests that this variant is likely to be disruptive. In summary, the available evidence is currently insufficient to determine the role of this variant in disease. Therefore, it has been classified as a Variant of Uncertain Significance.

Ambry Genetics
Classification: Uncertain significance for Hereditary cancer-predisposing syndrome. Last evaluated: 2022-10-09. Review status: criteria provided, single submitter. Criteria: Ambry Variant Classification Scheme 2023. Collection method: clinical testing. Allele origin: germline.
Comment: The p.L333F variant (also known as c.997C>T), located in coding exon 6 of the MSH3 gene, results from a C to T substitution at nucleotide position 997. The leucine at codon 333 is replaced by phenylalanine, an amino acid with highly similar properties. This amino acid position is conserved. In addition, the in silico prediction for this alteration is inconclusive. Since supporting evidence is limited at this time, the clinical significance of this alteration remains unclear.